The following is an entry in ClinVar:

NM_015178.3(RHOBTB2):c.1834G>A (p.Val612Ile)

Gene: RHOBTB2 (Rho related BTB domain containing 2; plus strand). Cytogenetic location: 8p21.3.
Variant type: single nucleotide variant.
Coding change: c.1834G>A on transcript NM_015178.3 (MANE Select); coding-DNA position 1834, G replaced by A.
Protein change: p.Val612Ile; replaces valine 612 with isoleucine.
Molecular consequence: missense variant.
Genome position (GRCh38, 1-based): chr8:23,014,752, G>A. VCF-style: chr8-23014752-G-A. GRCh37 (hg19) VCF-style: chr8-22872265-G-A.
Other names: c.1900G>A (NM_001160036.1); c.1900G>A, p.Val634Ile (NM_001160036.2); c.1855G>A, p.Val619Ile (NM_001160037.2); c.1834G>A, p.Val612Ile (NM_001374791.1); short protein forms V619I, V612I, V634I.
Identifiers: ClinVar variation 1439048 (VCV001439048.11), dbSNP rs1158005108, ClinGen allele CA370574421.

ClinVar aggregate classification (germline): Uncertain significance. Review status: criteria provided, multiple submitters, no conflicts (2 of 4 stars). 5 submissions from 5 submitters: Uncertain significance (5). Last evaluated 2024-10-15.

Conditions:
Inborn genetic diseases. Identifiers: MedGen C0950123, MeSH D030342.
RHOBTB2-related disorder. Also called: RHOBTB2-related condition.
Developmental and epileptic encephalopathy, 64. Also called: EPILEPTIC ENCEPHALOPATHY, EARLY INFANTILE, 64. Identifiers: MedGen C4693899, MONDO:0033373, OMIM 618004.

Allele frequency attached by ClinVar (database versions not stated): gnomAD exomes 0.00001; TOPMed 0.00001; gnomAD 0.00001.
gnomAD v4.1: 7 of 1,613,984 alleles (0.00043%); highest among the groups gnomAD compares: East Asian, 0.0022%; no homozygotes.

Submissions (5):

Dasa
Classification: Uncertain significance. Last evaluated: 2024-10-15. Review status: criteria provided, single submitter. Criteria: DASA Assertion Criteria. Collection method: clinical testing. Allele origin: germline.
Comment: NM_015178.3(RHOBTB2):c.1834G>A (p.Val612Ile) is a missense variant that results in the substitution of valine with isoleucine. This variant is rare in population databases. Computational prediction algorithms are consistent with a benign effect. The currently available literature and clinical evidence are not sufficient to establish a definitive association between this variant and the reported condition. Therefore, this variant is classified as a variant of uncertain significance.

Ambry Genetics
Classification: Uncertain significance for Inborn genetic diseases. Last evaluated: 2024-05-20. Review status: criteria provided, single submitter. Criteria: Ambry Variant Classification Scheme 2023. Collection method: clinical testing. Allele origin: germline.

PreventionGenetics, part of Exact Sciences
Classification: Uncertain significance for RHOBTB2-related condition. Last evaluated: 2022-09-22. Review status: criteria provided, single submitter. Criteria: ACMG Guidelines, 2015. Collection method: clinical testing. Allele origin: germline.
Comment: The RHOBTB2 c.1900G>A variant is predicted to result in the amino acid substitution p.Val634Ile. To our knowledge, this variant has not been reported in the literature or in a large population database, indicating this variant is rare. At this time, the clinical significance of this variant is uncertain due to the absence of conclusive functional and genetic evidence.

Labcorp Genetics (formerly Invitae), Labcorp
Classification: Uncertain significance. Last evaluated: 2021-02-01. Review status: criteria provided, single submitter. Criteria: Invitae Variant Classification Sherloc (09022015). Collection method: clinical testing. Allele origin: germline.
Comment: Algorithms developed to predict the effect of missense changes on protein structure and function (SIFT, PolyPhen-2, Align-GVGD) all suggest that this variant is likely to be tolerated, but these predictions have not been confirmed by published functional studies and their clinical significance is uncertain. In summary, the available evidence is currently insufficient to determine the role of this variant in disease. Therefore, it has been classified as a Variant of Uncertain Significance. This variant has not been reported in the literature in individuals with RHOBTB2-related conditions. This variant is not present in population databases (ExAC no frequency). This sequence change replaces valine with isoleucine at codon 634 of the RHOBTB2 protein (p.Val634Ile). The valine residue is highly conserved and there is a small physicochemical difference between valine and isoleucine.

Neuberg Centre For Genomic Medicine, NCGM
Classification: Uncertain significance for Developmental and epileptic encephalopathy, 64. Review status: criteria provided, single submitter. Criteria: ACMG Guidelines, 2015. Collection method: clinical testing. Allele origin: germline. Inheritance: Autosomal dominant inheritance. Affected: yes.
Comment: The missense variant in c.1834G>A in RHOBTB2 gene has not been reported previously as a pathogenic variant nor as a benign variant, to our knowledge. The p.Val612Ile variant is novel (not in any individuals) in gnomAD Exomes and 1000 Genomes. This variant has been reported to the ClinVar database as Variant of Uncertain Significance (VUS). The amino acid change p.Val612Ile in RHOBTB2 is predicted as conserved by GERP++ and PhyloP across 100 vertebrates. The amino acid Val at position 612 is changed to a Ile changing protein sequence and it might alter its composition and physico-chemical properties. For these reasons, this variant has been classified as Uncertain Significance (VUS).